The following is an entry in ClinVar:

NM_000548.5(TSC2):c.5026C>A (p.Leu1676Met)

Gene: TSC2 (TSC complex subunit 2; plus strand). Cytogenetic location: 16p13.3.
Variant type: single nucleotide variant.
Coding change: c.5026C>A on transcript NM_000548.5 (MANE Select); coding-DNA position 5026, C replaced by A.
Protein change: p.Leu1676Met; replaces leucine 1676 with methionine.
Molecular consequence: missense variant.
Genome position (GRCh38, 1-based): chr16:2,087,899, C>A. VCF-style: chr16-2087899-C-A. GRCh37 (hg19) VCF-style: chr16-2137900-C-A.
Other names: c.4825C>A, p.Leu1609Met (NM_001077183.3); c.4957C>A, p.Leu1653Met (NM_001114382.3); c.4717C>A, p.Leu1573Met (NM_001318827.2); c.4681C>A, p.Leu1561Met (NM_001318829.2); c.4294C>A, p.Leu1432Met (NM_001318831.2); c.4858C>A, p.Leu1620Met (NM_001318832.2); c.4828C>A, p.Leu1610Met (NM_001363528.2); c.4894C>A, p.Leu1632Met (NM_001370404.1); and 1 more; short protein forms L1432M, L1633M, L1676M, L1573M, L1609M, L1653M, L1561M, L1610M.
Identifiers: ClinVar variation 825382 (VCV000825382.4), dbSNP rs201707249, ClinGen allele CA394311278.

ClinVar aggregate classification (germline): Uncertain significance (1 of 4 stars; one submission).

Conditions:
Hereditary cancer-predisposing syndrome. Also called: Neoplastic Syndromes, Hereditary; Tumor predisposition; Hereditary neoplastic syndrome; Hereditary Cancer Syndrome. Identifiers: Orphanet 140162, MedGen C0027672, MeSH D009386, MONDO:0015356.

Submission:

Ambry Genetics
Classification: Uncertain significance for Hereditary cancer-predisposing syndrome. Last evaluated: 2019-08-08. Review status: criteria provided, single submitter. Criteria: Ambry Variant Classification Scheme 2023. Collection method: clinical testing. Allele origin: germline.
Comment: The p.L1676M variant (also known as c.5026C>A), located in coding exon 38 of the TSC2 gene, results from a C to A substitution at nucleotide position 5026. The leucine at codon 1676 is replaced by methionine, an amino acid with highly similar properties. This amino acid position is highly conserved in available vertebrate species. In addition, the in silico prediction for this alteration is inconclusive. Since supporting evidence is limited at this time, the clinical significance of this alteration remains unclear.